The following is an entry in ClinVar:

NM_006836.2(GCN1):c.483C>T (p.Ala161=)

Gene: GCN1 (GCN1 activator of EIF2AK4; minus strand). Cytogenetic location: 12q24.23.
Variant type: single nucleotide variant.
Coding change: c.483C>T on transcript NM_006836.2 (MANE Select); coding-DNA position 483, C replaced by T.
Protein change: p.Ala161=; no amino-acid change (alanine 161 retained).
Molecular consequence: synonymous variant.
Genome position (GRCh38, 1-based): chr12:120,178,894, G>A on the plus strand (C>T on the coding strand, the complement: GCN1 is on the minus strand). VCF-style: chr12-120178894-G-A. GRCh37 (hg19) VCF-style: chr12-120616697-G-A.
Identifiers: ClinVar variation 713633 (VCV000713633.27), dbSNP rs200979023, ClinGen allele CA6825578.
Genomic context (GRCh38, chr12:120,178,894, plus strand): 5'-CCCCTGCAGTCCTGTCACCTCTTTCCACAGCTTCGTGAGTTTCTTCACAGCACCATCCAC[G>A]GCGTGCTTGTGGGAGCCACCCAGCACCTCCAGCAAGAGCAGGCACTGCACTTCCACCTGC-3'
Protein context (NP_006827.1, residues 151-171): LEVLGGSHKH[Ala161=]VDGAVKKLTK

ClinVar aggregate classification (germline): Benign/Likely benign. Review status: criteria provided, multiple submitters, no conflicts (2 of 4 stars). 2 submissions from 2 submitters: Benign (1); Likely benign (1). Last evaluated 2022-04-01.

Allele frequency attached by ClinVar (database versions not stated): gnomAD 0.00055 and 0.00065; gnomAD exomes 0.00070 and 0.00107; TOPMed 0.00078; ESP Exome Variant Server 0.00079; ExAC 0.00120; 1000 Genomes Project 0.00180; 1000 Genomes Project 30x 0.00203.
gnomAD v4.1: 1,164 of 1,614,044 alleles (0.072%); highest among the groups gnomAD compares: Middle Eastern, 1.1%; 10 homozygotes.

Submissions (2):

CeGaT Center for Human Genetics Tuebingen
Classification: Likely benign. Last evaluated: 2022-04-01. Review status: criteria provided, single submitter. Criteria: CeGaT Center For Human Genetics Tuebingen Variant Classification Criteria Version 2. Collection method: clinical testing. Allele origin: germline. Affected: yes. Observed: 1 variant allele.
Comment: GCN1: BP4, BP7

Labcorp Genetics (formerly Invitae), Labcorp
Classification: Benign. Last evaluated: 2017-08-25. Review status: criteria provided, single submitter. Criteria: Invitae Variant Classification Sherloc (09022015). Collection method: clinical testing. Allele origin: germline.